The following is an entry in ClinVar:

NM_007294.4(BRCA1):c.253G>C (p.Glu85Gln)

Gene: BRCA1 (BRCA1 DNA repair associated; minus strand). Cytogenetic location: 17q21.31.
Variant type: single nucleotide variant.
Coding change: c.253G>C on transcript NM_007294.4 (MANE Select); coding-DNA position 253, G replaced by C.
Protein change: p.Glu85Gln; replaces glutamic acid 85 with glutamine.
Molecular consequence: missense variant. On other transcripts: non-coding transcript variant (1).
Genome position (GRCh38, 1-based): chr17:43,104,916, C>G on the plus strand (G>C on the coding strand, the complement: BRCA1 is on the minus strand). VCF-style: chr17-43104916-C-G. GRCh37 (hg19) VCF-style: chr17-41256933-C-G.
Other names: c.175G>C, p.Glu59Gln (NM_001407875.1, NM_001408409.1, NM_001408411.1 and 21 more transcripts); c.43G>C, p.Glu15Gln (NM_001407879.1, NM_001407881.1, NM_001407882.1 and 58 more transcripts); c.253G>C, p.Glu85Gln (NM_001407919.1, NM_001407937.1, NM_001407938.1 and 168 more transcripts); c.112G>C, p.Glu38Gln (NM_001407920.1, NM_001407921.1, NM_001407922.1 and 99 more transcripts); c.-129G>C (NM_001407959.1, NM_001407960.1, NM_001407962.1 and 4 more transcripts); c.121G>C, p.Glu41Gln (NM_001408451.1); short protein forms E38Q, E85Q, E59Q, E15Q, E41Q.
Identifiers: ClinVar variation 868804 (VCV000868804.4), dbSNP rs2054685109, ClinGen allele CA10601649.

ClinVar aggregate classification (germline): Uncertain significance (1 of 4 stars; one submission).

Conditions:
Hereditary cancer-predisposing syndrome. Also called: Neoplastic Syndromes, Hereditary; Tumor predisposition; Hereditary Cancer Syndrome; Hereditary neoplastic syndrome. Identifiers: Orphanet 140162, MedGen C0027672, MeSH D009386, MONDO:0015356.

Submissions (2):

Color Diagnostics, LLC DBA Color Health
Classification: Uncertain significance for Hereditary cancer-predisposing syndrome. Last evaluated: 2025-03-04. Review status: criteria provided, single submitter. Criteria: ACMG Guidelines, 2015. Collection method: clinical testing. Allele origin: germline.
Comment: This missense variant replaces glutamic acid with glutamine at codon 85 of the BRCA1 protein. Computational prediction is inconclusive regarding the impact of this variant on protein structure and function. Functional studies have reported that this variant does not impact BRCA1 function in a haploid cell proliferation assays and in binding assays to BARD1 (PMID: 25823446, 30209399, 35659930). To our knowledge, this variant has not been reported in individuals affected with BRCA1-related disorders in the literature. This variant has not been identified in the general population by the Genome Aggregation Database (gnomAD). The available evidence is insufficient to determine the role of this variant in disease conclusively. Therefore, this variant is classified as a Variant of Uncertain Significance.

Brotman Baty Institute, University of Washington
No classification provided (evidence only). Condition: Breast-ovarian cancer, familial 1. Review status: no classification provided. Collection method: in vitro. Allele origin: not applicable. Functional consequence: functionally_normal. Not counted in ClinVar's aggregate classification.
ClinVar note: "not provided" was previously submitted as the classification for the variant. However, the classification appeared to be based only on an observation of functional data so it was converted to no classification on 2025-07-30.

Literature cited by the submitters: PubMed 25823446 (cited by Color Diagnostics, LLC DBA Color Health); PubMed 30209399 (cited by Color Diagnostics, LLC DBA Color Health); PubMed 35659930 (cited by Color Diagnostics, LLC DBA Color Health).